The following is an entry in ClinVar:

ClinVar aggregate classification (germline): Uncertain significance. Review status: criteria provided, multiple submitters, no conflicts (2 of 4 stars). 2 submissions from 2 submitters: Uncertain significance (2). Last evaluated 2023-09-18.

Conditions:
Hereditary cancer-predisposing syndrome. Also called: Hereditary Cancer Syndrome; Neoplastic Syndromes, Hereditary; Tumor predisposition; Hereditary neoplastic syndrome. Identifiers: Orphanet 140162, MedGen C0027672, MeSH D009386, MONDO:0015356.
Ataxia-telangiectasia-like disorder (ATLD). Identifiers: MedGen C1858391, MONDO:0011457.

Submissions (2):

Ambry Genetics
Classification: Uncertain significance for Hereditary cancer-predisposing syndrome. Last evaluated: 2023-09-18. Review status: criteria provided, single submitter. Criteria: Ambry Variant Classification Scheme 2023. Collection method: clinical testing. Allele origin: germline.
Comment: The p.H297P variant (also known as c.890A>C), located in coding exon 8 of the MRE11A gene, results from an A to C substitution at nucleotide position 890. The histidine at codon 297 is replaced by proline, an amino acid with similar properties. This amino acid position is poorly conserved in available vertebrate species. In addition, the in silico prediction for this alteration is inconclusive. Since supporting evidence is limited at this time, the clinical significance of this alteration remains unclear.

Labcorp Genetics (formerly Invitae), Labcorp
Classification: Uncertain significance for Ataxia-telangiectasia-like disorder. Last evaluated: 2022-07-23. Review status: criteria provided, single submitter. Criteria: Invitae Variant Classification Sherloc (09022015). Collection method: clinical testing. Allele origin: germline.
Comment: This variant has not been reported in the literature in individuals affected with MRE11-related conditions. In summary, the available evidence is currently insufficient to determine the role of this variant in disease. Therefore, it has been classified as a Variant of Uncertain Significance. Algorithms developed to predict the effect of missense changes on protein structure and function (SIFT, PolyPhen-2, Align-GVGD) all suggest that this variant is likely to be tolerated. ClinVar contains an entry for this variant (Variation ID: 479783). This variant is not present in population databases (gnomAD no frequency). This sequence change replaces histidine, which is basic and polar, with proline, which is neutral and non-polar, at codon 297 of the MRE11 protein (p.His297Pro).

NM_005591.4(MRE11):c.890A>C (p.His297Pro)

Gene: MRE11 (MRE11 double strand break repair nuclease; minus strand). Cytogenetic location: 11q21.
Variant type: single nucleotide variant.
Coding change: c.890A>C on transcript NM_005591.4 (MANE Select); coding-DNA position 890, A replaced by C.
Protein change: p.His297Pro; replaces histidine 297 with proline.
Molecular consequence: missense variant.
Genome position (GRCh38, 1-based): chr11:94,470,598, T>G on the plus strand (A>C on the coding strand, the complement: MRE11 is on the minus strand). VCF-style: chr11-94470598-T-G. GRCh37 (hg19) VCF-style: chr11-94203764-T-G.
Other names: c.890A>C, p.His297Pro (NM_001330347.2, NM_005590.4); short protein forms H297P.
Identifiers: ClinVar variation 479783 (VCV000479783.10), dbSNP rs762144883, ClinGen allele CA382374615.